The following is an entry in ClinVar:

ClinVar aggregate classification (germline): Uncertain significance (1 of 4 stars; one submission).

Submission:

Labcorp Genetics (formerly Invitae), Labcorp
Classification: Uncertain significance. Last evaluated: 2019-12-26. Review status: criteria provided, single submitter. Criteria: Invitae Variant Classification Sherloc (09022015). Collection method: clinical testing. Allele origin: germline.
Comment: This sequence change falls in intron 35 of the COL2A1 gene. It does not directly change the encoded amino acid sequence of the COL2A1 protein, but it affects a nucleotide within the consensus splice site of the intron. This variant is not present in population databases (ExAC no frequency). This variant has not been reported in the literature in individuals with COL2A1-related conditions. Nucleotide substitutions within the consensus splice site are a relatively common cause of aberrant splicing (PMID: 17576681, 9536098). In summary, the available evidence is currently insufficient to determine the role of this variant in disease. Therefore, it has been classified as a Variant of Uncertain Significance.

NM_001844.5(COL2A1):c.2355+5G>T

Gene: COL2A1 (collagen type II alpha 1 chain; minus strand). Cytogenetic location: 12q13.11.
Variant type: single nucleotide variant.
Coding change: c.2355+5G>T on transcript NM_001844.5 (MANE Select); 5 bases into the intron after coding-DNA position 2355, G replaced by T.
Molecular consequence: intron variant.
Genome position (GRCh38, 1-based): chr12:47,982,102, C>A on the plus strand (G>T on the coding strand, the complement: COL2A1 is on the minus strand). VCF-style: chr12-47982102-C-A. GRCh37 (hg19) VCF-style: chr12-48375885-C-A.
Other names: c.2148+5G>T (NM_033150.3).
Identifiers: ClinVar variation 849487 (VCV000849487.1), dbSNP rs1555166294, ClinGen allele CA916083302.
Genomic context (GRCh38, chr12:47,982,102, plus strand): 5'-CTGCTCTCCTGGGTGCAGGGCTAGGATCCTAATGCCCAGCAGTCCAGCAGCCCGCATTCA[C>A]TTACTCGTCCACCATCCTTTCCAGGGGCTCCCTCAGGGCCTTTCTCACCAACGTCACCCT-3'